The following is an entry in ClinVar:

NM_006059.4(LAMC3):c.2743C>G (p.Arg915Gly)

Gene: LAMC3 (laminin subunit gamma 3; plus strand). Cytogenetic location: 9q34.12.
Variant type: single nucleotide variant.
Coding change: c.2743C>G on transcript NM_006059.4 (MANE Select); coding-DNA position 2743, C replaced by G.
Protein change: p.Arg915Gly; replaces arginine 915 with glycine.
Molecular consequence: missense variant.
Genome position (GRCh38, 1-based): chr9:131,068,227, C>G. VCF-style: chr9-131068227-C-G. GRCh37 (hg19) VCF-style: chr9-133943614-C-G.
Other names: short protein forms R915G.
Identifiers: ClinVar variation 1426857 (VCV001426857.5), dbSNP rs761037173, ClinGen allele CA5287548.

ClinVar aggregate classification (germline): Uncertain significance (1 of 4 stars; one submission).

gnomAD v4.1: 13 of 1,609,140 alleles (0.00081%); highest among the groups gnomAD compares: South Asian, 0.013%; no homozygotes.

Submission:

Labcorp Genetics (formerly Invitae), Labcorp
Classification: Uncertain significance. Last evaluated: 2021-09-03. Review status: criteria provided, single submitter. Criteria: Invitae Variant Classification Sherloc (09022015). Collection method: clinical testing. Allele origin: germline.
Comment: In summary, the available evidence is currently insufficient to determine the role of this variant in disease. Therefore, it has been classified as a Variant of Uncertain Significance. This sequence change replaces arginine with glycine at codon 915 of the LAMC3 protein (p.Arg915Gly). The arginine residue is weakly conserved and there is a moderate physicochemical difference between arginine and glycine. This variant is present in population databases (rs761037173, ExAC 0.01%). This variant has not been reported in the literature in individuals affected with LAMC3-related conditions. Algorithms developed to predict the effect of missense changes on protein structure and function (SIFT, PolyPhen-2, Align-GVGD) all suggest that this variant is likely to be tolerated.